The following is an entry in ClinVar:

ClinVar aggregate classification (germline): Uncertain significance (1 of 4 stars; one submission).

Conditions:
Neuropathy, hereditary sensory, type 1F. Also called: HSN IF; Hereditary sensory neuropathy type IF. Identifiers: Orphanet 36386, MedGen C3810194, MONDO:0014286, OMIM 615632.

Submission:

Labcorp Genetics (formerly Invitae), Labcorp
Classification: Uncertain significance for Neuropathy, hereditary sensory, type 1F. Last evaluated: 2023-06-15. Review status: criteria provided, single submitter. Criteria: Invitae Variant Classification Sherloc (09022015). Collection method: clinical testing. Allele origin: germline.
Comment: This sequence change replaces methionine, which is neutral and non-polar, with isoleucine, which is neutral and non-polar, at codon 229 of the ATL3 protein (p.Met229Ile). This variant is not present in population databases (gnomAD no frequency). This variant has not been reported in the literature in individuals affected with ATL3-related conditions. Advanced modeling of protein sequence and biophysical properties (such as structural, functional, and spatial information, amino acid conservation, physicochemical variation, residue mobility, and thermodynamic stability) performed at Invitae indicates that this missense variant is not expected to disrupt ATL3 protein function. In summary, the available evidence is currently insufficient to determine the role of this variant in disease. Therefore, it has been classified as a Variant of Uncertain Significance.

NM_015459.5(ATL3):c.687G>A (p.Met229Ile)

Genes: ATL3 (atlastin GTPase 3; minus strand), LNCROPM (lncRNA regulator of PLAAT3 mediated phospholipid metabolism; plus strand). Cytogenetic location: 11q13.1.
Variant type: single nucleotide variant.
Coding change: c.687G>A on transcript NM_015459.5 (MANE Select); coding-DNA position 687, G replaced by A.
Protein change: p.Met229Ile; replaces methionine 229 with isoleucine.
Molecular consequence: missense variant.
Genome position (GRCh38, 1-based): chr11:63,644,193, C>T on the plus strand (G>A on the coding strand, the complement: ATL3 is on the minus strand). VCF-style: chr11-63644193-C-T. GRCh37 (hg19) VCF-style: chr11-63411665-C-T.
Other names: c.633G>A, p.Met211Ile (NM_001290048.2); short protein forms M211I, M229I.
Identifiers: ClinVar variation 2808506 (VCV002808506.3), dbSNP rs2495657665, ClinGen allele CA381024556.
Genomic context (GRCh38, chr11:63,644,193, plus strand): 5'-TGAGATAATTCATCAGAAGATTATAGTCCCACTTACCTGTAAACGCTTATCCAAAAATGC[C>T]ATTCCTCCTTGGAGTCCATAGCTATATTCATAAGGGAAACTCCAATCTCTAACCAAAAAC-3'
Protein context (NP_056274.3, residues 219-239): YEYSYGLQGG[Met229Ile]AFLDKRLQVK